The following is an entry in ClinVar:

ClinVar aggregate classification (germline): Uncertain significance. Review status: criteria provided, multiple submitters, no conflicts (2 of 4 stars). 2 submissions from 2 submitters: Uncertain significance (2). Last evaluated 2024-07-27.

Allele frequency attached by ClinVar (database versions not stated): gnomAD exomes below 0.00001; TOPMed 0.00002.
gnomAD v4.1: 1 of 1,613,756 alleles (0.000062%); highest among the groups gnomAD compares: Admixed American, 0.0017%; no homozygotes.

Submissions (2):

Ambry Genetics
Classification: Uncertain significance. Last evaluated: 2024-07-27. Review status: criteria provided, single submitter. Criteria: Ambry Variant Classification Scheme 2023. Collection method: clinical testing. Allele origin: germline.

Labcorp Genetics (formerly Invitae), Labcorp
Classification: Uncertain significance. Last evaluated: 2022-07-13. Review status: criteria provided, single submitter. Criteria: Invitae Variant Classification Sherloc (09022015). Collection method: clinical testing. Allele origin: germline.
Comment: This sequence change replaces methionine, which is neutral and non-polar, with threonine, which is neutral and polar, at codon 250 of the OPN1SW protein (p.Met250Thr). This variant is present in population databases (no rsID available, gnomAD 0.006%). This variant has not been reported in the literature in individuals affected with OPN1SW-related conditions. Algorithms developed to predict the effect of missense changes on protein structure and function are either unavailable or do not agree on the potential impact of this missense change (SIFT: "Deleterious"; PolyPhen-2: "Benign"; Align-GVGD: "Class C65"). In summary, the available evidence is currently insufficient to determine the role of this variant in disease. Therefore, it has been classified as a Variant of Uncertain Significance.

NM_001385125.1(OPN1SW):c.740T>C (p.Met247Thr)

Gene: OPN1SW (opsin 1, short wave sensitive; minus strand). Cytogenetic location: 7q32.1.
Variant type: single nucleotide variant.
Coding change: c.740T>C on transcript NM_001385125.1 (MANE Select); coding-DNA position 740, T replaced by C.
Protein change: p.Met247Thr; replaces methionine 247 with threonine.
Molecular consequence: missense variant.
Genome position (GRCh38, 1-based): chr7:128,773,827, A>G on the plus strand (T>C on the coding strand, the complement: OPN1SW is on the minus strand). VCF-style: chr7-128773827-A-G. GRCh37 (hg19) VCF-style: chr7-128413881-A-G.
Other names: NM_001708.2:c.749T>C; short protein forms M247T.
Identifiers: ClinVar variation 2014084 (VCV002014084.5), dbSNP rs1449582858, ClinGen allele CA369217990.